The following is an entry in ClinVar:

NM_001009999.3(KDM1A):c.2123C>T (p.Thr708Met)

Gene: KDM1A (lysine demethylase 1A; plus strand). Cytogenetic location: 1p36.12.
Variant type: single nucleotide variant.
Coding change: c.2123C>T on transcript NM_001009999.3 (MANE Select); coding-DNA position 2123, C replaced by T.
Protein change: p.Thr708Met; replaces threonine 708 with methionine.
Molecular consequence: missense variant.
Genome position (GRCh38, 1-based): chr1:23,079,620, C>T. VCF-style: chr1-23079620-C-T. GRCh37 (hg19) VCF-style: chr1-23406113-C-T.
Other names: c.2069C>T, p.Thr690Met (NM_001363654.2); c.2129C>T, p.Thr710Met (NM_001410762.1); c.2051C>T, p.Thr684Met (NM_001410763.1, NM_015013.4); short protein forms T684M, T708M, T690M, T710M.
Identifiers: ClinVar variation 4042127 (VCV004042127.1).

ClinVar aggregate classification (germline): Uncertain significance (1 of 4 stars; one submission).

Conditions:
Inborn genetic diseases. Identifiers: MedGen C0950123, MeSH D030342.

gnomAD v4.1: 4 of 1,613,418 alleles (0.00025%); highest among the groups gnomAD compares: Non-Finnish European, 0.00025%; no homozygotes.

Submission:

Ambry Genetics
Classification: Uncertain significance for Inborn genetic diseases. Last evaluated: 2025-05-04. Review status: criteria provided, single submitter. Criteria: Ambry Variant Classification Scheme 2023. Collection method: clinical testing. Allele origin: germline.
Comment: The p.T708M variant (also known as c.2123C>T), located in coding exon 18 of the KDM1A gene, results from a C to T substitution at nucleotide position 2123. The threonine at codon 708 is replaced by methionine, an amino acid with similar properties. This amino acid position is conserved. In addition, this alteration is predicted to be deleterious by in silico analysis. Based on the available evidence, the clinical significance of this variant remains unclear.